The following is an entry in ClinVar:

NM_032608.7(MYO18B):c.1402C>T (p.Gln468Ter)

Gene: MYO18B (myosin XVIIIB; plus strand). Cytogenetic location: 22q12.1.
Variant type: single nucleotide variant.
Coding change: c.1402C>T on transcript NM_032608.7 (MANE Select); coding-DNA position 1402, C replaced by T.
Protein change: p.Gln468Ter; replaces glutamine 468 with a stop codon.
Molecular consequence: nonsense.
Genome position (GRCh38, 1-based): chr22:25,769,318, C>T. VCF-style: chr22-25769318-C-T. GRCh37 (hg19) VCF-style: chr22-26165285-C-T.
Other names: c.1402C>T, p.Gln468Ter (NM_001318245.2); short protein forms Q468*.
Identifiers: ClinVar variation 3382538 (VCV003382538.2).

ClinVar aggregate classification (germline): Likely pathogenic (1 of 4 stars; one submission).

Conditions:
Klippel-Feil anomaly-myopathy-facial dysmorphism syndrome. Also called: Klippel-feil syndrome 4, autosomal recessive, with nemaline myopathy and facial dysmorphism; Klippel-Feil syndrome 4, autosomal recessive, with myopathy and facial dysmorphism. Identifiers: Orphanet 447974, MedGen C4225285, MONDO:0014689, OMIM 616549.

gnomAD v4.1: 2 of 1,579,078 alleles (0.00013%); highest among the groups gnomAD compares: South Asian, 0.0012%; no homozygotes.

Submission:

Juno Genomics, Hangzhou Juno Genomics, Inc
Classification: Likely pathogenic for Klippel-Feil anomaly-myopathy-facial dysmorphism syndrome. Review status: criteria provided, single submitter. Criteria: ACMG Guidelines, 2015. Collection method: clinical testing. Allele origin: germline. Affected: yes.
Comment: Null variant in a gene where loss of function (LOF) is a known mechanism of disease.;Absent from controls (or at extremely low frequency if recessive) in Genome Aggregation Database, Exome Sequencing Project, 1000 Genomes Project, or Exome Aggregation Consortium.